The following is an entry in ClinVar:

ClinVar aggregate classification (germline): Likely benign. Review status: criteria provided, single submitter (1 of 4 stars). 2 submissions from 2 submitters: Likely benign (1). 1 of the submissions does not count toward it. Last evaluated 2024-11-14.

Conditions:
DNAH17-related disorder. Also called: DNAH17-related condition.

Allele frequency attached by ClinVar (database versions not stated): gnomAD 0.00018; gnomAD exomes 0.00024; TOPMed 0.00026; ExAC 0.00031.
gnomAD v4.1: 401 of 1,614,052 alleles (0.025%); highest among the groups gnomAD compares: East Asian, 0.082%; 2 homozygotes.

Submissions (2):

Blueprint Genetics
Classification: Likely benign. Last evaluated: 2024-11-14. Review status: criteria provided, single submitter. Criteria: ACMG Guidelines, 2015. Collection method: clinical testing. Allele origin: germline.

PreventionGenetics, part of Exact Sciences
Classification: Likely benign for DNAH17-related condition. Last evaluated: 2019-02-26. Review status: no assertion criteria provided. Collection method: clinical testing. Allele origin: germline. Not counted in ClinVar's aggregate classification.
Comment: This variant is classified as likely benign based on ACMG/AMP sequence variant interpretation guidelines (Richards et al. 2015 PMID: 25741868, with internal and published modifications).

NM_173628.4(DNAH17):c.2421A>G (p.Arg807=)

Gene: DNAH17 (dynein axonemal heavy chain 17; minus strand). Cytogenetic location: 17q25.3.
Variant type: single nucleotide variant.
Coding change: c.2421A>G on transcript NM_173628.4 (MANE Select); coding-DNA position 2421, A replaced by G.
Protein change: p.Arg807=; no amino-acid change (arginine 807 retained).
Molecular consequence: synonymous variant.
Genome position (GRCh38, 1-based): chr17:78,543,968, T>C on the plus strand (A>G on the coding strand, the complement: DNAH17 is on the minus strand). VCF-style: chr17-78543968-T-C. GRCh37 (hg19) VCF-style: chr17-76540050-T-C.
Identifiers: ClinVar variation 3047627 (VCV003047627.3), dbSNP rs200169531, ClinGen allele CA8804693.